The following is an entry in ClinVar:

NM_000179.3(MSH6):c.261-20G>C

Gene: MSH6 (mutS homolog 6; plus strand). Cytogenetic location: 2p16.3.
Variant type: single nucleotide variant.
Coding change: c.261-20G>C on transcript NM_000179.3 (MANE Select); 20 bases into the intron before coding-DNA position 261, G replaced by C.
Molecular consequence: intron variant.
Genome position (GRCh38, 1-based): chr2:47,790,907, G>C. VCF-style: chr2-47790907-G-C. GRCh37 (hg19) VCF-style: chr2-48018046-G-C.
Other names: c.-476-20G>C (NM_001281493.2); c.237+7437G>C (NM_001281492.2); c.-642-20G>C (NM_001281494.2).
Identifiers: ClinVar variation 927040 (VCV000927040.15), dbSNP rs1382008214, ClinGen allele CA913187982.
Genomic context (GRCh38, chr2:47,790,907, plus strand): 5'-AATTGTTTATTTGTAGGTAACTGCCTTTAAGGAAACTTGACCAAATATTAACTAAGTTAT[G>C]TATTTCCTTTTGGCAACAGTTGTGACTTCTCACCAGGAGATTTGGTTTGGGCCAAGATGG-3'

ClinVar aggregate classification (germline): Benign/Likely benign. Review status: criteria provided, multiple submitters, no conflicts (2 of 4 stars). 4 submissions from 4 submitters: Benign (1); Likely benign (3). Last evaluated 2025-08-04.

Conditions:
Hereditary cancer-predisposing syndrome. Also called: Neoplastic Syndromes, Hereditary; Tumor predisposition; Hereditary Cancer Syndrome; Hereditary neoplastic syndrome. Identifiers: Orphanet 140162, MedGen C0027672, MeSH D009386, MONDO:0015356.
Lynch syndrome 5 (LYNCH5). Also called: Colorectal cancer, hereditary nonpolyposis, type 5; Hereditary non-polyposis colorectal cancer, type 5. Identifiers: Orphanet 144, MedGen C1833477, MONDO:0013710, OMIM 614350. Disease mechanism: loss of function.
Hereditary nonpolyposis colorectal neoplasms. Identifiers: MedGen C0009405, MeSH D003123.

gnomAD v4.1: 1 of 1,611,906 alleles (0.000062%); highest among the groups gnomAD compares: Non-Finnish European, 0.000085%; no homozygotes.

Submissions (4):

Labcorp Genetics (formerly Invitae), Labcorp
Classification: Likely benign for Hereditary nonpolyposis colorectal neoplasms. Last evaluated: 2025-08-04. Review status: criteria provided, single submitter. Criteria: Invitae Variant Classification Sherloc (09022015). Collection method: clinical testing. Allele origin: germline.

Myriad Genetics, Inc.
Classification: Likely benign for Lynch syndrome 5. Last evaluated: 2024-12-17. Review status: criteria provided, single submitter. Criteria: Myriad Autosomal Dominant, Autosomal Recessive and X-Linked Classification Criteria (2023). Collection method: clinical testing. Allele origin: unknown.
Comment: This variant is considered likely benign. This variant is intronic and is not expected to impact mRNA splicing.

Color Diagnostics, LLC DBA Color Health
Classification: Likely benign for Hereditary cancer-predisposing syndrome. Last evaluated: 2019-02-25. Review status: criteria provided, single submitter. Criteria: ACMG Guidelines, 2015. Collection method: clinical testing. Allele origin: germline.

GeneDx
Classification: Benign. Last evaluated: 2015-03-04. Review status: criteria provided, single submitter. Criteria: GeneDx Variant Classification Process June 2021. Collection method: clinical testing. Allele origin: germline. Affected: yes.